The following is an entry in ClinVar:

NM_005431.2(XRCC2):c.35C>A (p.Thr12Asn)

Gene: XRCC2 (X-ray repair cross complementing 2; minus strand). Cytogenetic location: 7q36.1.
Variant type: single nucleotide variant.
Coding change: c.35C>A on transcript NM_005431.2 (MANE Select); coding-DNA position 35, C replaced by A.
Protein change: p.Thr12Asn; replaces threonine 12 with asparagine.
Molecular consequence: missense variant.
Genome position (GRCh38, 1-based): chr7:152,676,045, G>T on the plus strand (C>A on the coding strand, the complement: XRCC2 is on the minus strand). VCF-style: chr7-152676045-G-T. GRCh37 (hg19) VCF-style: chr7-152373130-G-T.
Other names: short protein forms T12N.
Identifiers: ClinVar variation 1733065 (VCV001733065.2), dbSNP rs2485915590, ClinGen allele CA370199578.

ClinVar aggregate classification (germline): Uncertain significance (1 of 4 stars; one submission).

Conditions:
Hereditary cancer-predisposing syndrome. Also called: Neoplastic Syndromes, Hereditary; Tumor predisposition; Hereditary Cancer Syndrome; Hereditary neoplastic syndrome. Identifiers: Orphanet 140162, MedGen C0027672, MeSH D009386, MONDO:0015356.

Submission:

Ambry Genetics
Classification: Uncertain significance for Hereditary cancer-predisposing syndrome. Last evaluated: 2019-10-29. Review status: criteria provided, single submitter. Criteria: Ambry Variant Classification Scheme 2023. Collection method: clinical testing. Allele origin: germline.
Comment: The p.T12N variant (also known as c.35C>A), located in coding exon 1 of the XRCC2 gene, results from a C to A substitution at nucleotide position 35. The threonine at codon 12 is replaced by asparagine, an amino acid with similar properties. This amino acid position is highly conserved in available vertebrate species. In addition, this alteration is predicted to be tolerated by in silico analysis. Since supporting evidence is limited at this time, the clinical significance of this alteration remains unclear.